The following is an entry in ClinVar:

NM_001903.5(CTNNA1):c.1641C>T (p.Gly547=)

Gene: CTNNA1 (catenin alpha 1; plus strand). Cytogenetic location: 5q31.2.
Variant type: single nucleotide variant.
Coding change: c.1641C>T on transcript NM_001903.5 (MANE Select); coding-DNA position 1641, C replaced by T.
Protein change: p.Gly547=; no amino-acid change (glycine 547 retained).
Molecular consequence: synonymous variant.
Genome position (GRCh38, 1-based): chr5:138,924,604, C>T. VCF-style: chr5-138924604-C-T. GRCh37 (hg19) VCF-style: chr5-138260293-C-T.
Other names: c.1641C>T, p.Gly547= (NM_001290307.3, NM_001323982.2, NM_001323983.1 and 2 more transcripts); c.1332C>T, p.Gly444= (NM_001290309.3); c.1272C>T, p.Gly424= (NM_001290310.3); c.531C>T, p.Gly177= (NM_001290312.1, NM_001323987.1, NM_001323988.1 and 17 more transcripts); c.1548C>T, p.Gly516= (NM_001323986.2); c.192C>T, p.Gly64= (NM_001324006.1, NM_001324007.1, NM_001324008.1 and 2 more transcripts); c.438C>T, p.Gly146= (NM_001324011.1); c.288C>T, p.Gly96= (NM_001324012.1, NM_001324013.1).
Identifiers: ClinVar variation 859638 (VCV000859638.11), dbSNP rs1763611915, ClinGen allele CA446596930.
Genomic context (GRCh38, chr5:138,924,604, plus strand): 5'-CATTGCTCTCCAAGAGAAGGATGTGGATGGCCTGGACCGCACAGCTGGTGCAATTCGAGG[C>T]CGGGCAGCCCGGGTCATTCACGTAGTCACCTCAGAGATGGACAACTATGAGCCAGGAGTC-3'
Protein context (NP_001894.2, residues 537-557): GLDRTAGAIR[Gly547=]RAARVIHVVT

ClinVar aggregate classification (germline): Benign/Likely benign. Review status: criteria provided, multiple submitters, no conflicts (2 of 4 stars). 3 submissions from 3 submitters: Benign (1); Likely benign (2). Last evaluated 2025-08-18.

Conditions:
Hereditary diffuse gastric adenocarcinoma (HDGC). Also called: DIFFUSE GASTRIC AND LOBULAR BREAST CANCER SYNDROME. Identifiers: Orphanet 26106, MedGen C1708349, MONDO:0007648, OMIM 137215.
Hereditary cancer-predisposing syndrome. Also called: Hereditary neoplastic syndrome; Tumor predisposition; Neoplastic Syndromes, Hereditary; Hereditary Cancer Syndrome. Identifiers: Orphanet 140162, MedGen C0027672, MeSH D009386, MONDO:0015356.

Allele frequency attached by ClinVar (database versions not stated): gnomAD exomes below 0.00001.
gnomAD v4.1: 1 of 1,614,052 alleles (0.000062%); highest among the groups gnomAD compares: Non-Finnish European, 0.000085%; no homozygotes.

Submissions (3):

Labcorp Genetics (formerly Invitae), Labcorp
Classification: Likely benign. Last evaluated: 2025-08-18. Review status: criteria provided, single submitter. Criteria: Invitae Variant Classification Sherloc (09022015). Collection method: clinical testing. Allele origin: germline.

Myriad Genetics, Inc.
Classification: Benign for Hereditary diffuse gastric adenocarcinoma. Last evaluated: 2024-10-11. Review status: criteria provided, single submitter. Criteria: Myriad Autosomal Dominant, Autosomal Recessive and X-Linked Classification Criteria (2023). Collection method: clinical testing. Allele origin: unknown.
Comment: This variant is considered benign. This variant is a silent/synonymous amino acid change and it is not expected to impact splicing.

Ambry Genetics
Classification: Likely benign for Hereditary cancer-predisposing syndrome. Last evaluated: 2020-11-23. Review status: criteria provided, single submitter. Criteria: Ambry Variant Classification Scheme 2023. Collection method: clinical testing. Allele origin: germline.